The following is an entry in ClinVar:

ClinVar aggregate classification (germline): Uncertain significance. Review status: criteria provided, multiple submitters, no conflicts (2 of 4 stars). 2 submissions from 2 submitters: Uncertain significance (2). Last evaluated 2025-09-25.

Conditions:
Hereditary cancer-predisposing syndrome. Also called: Hereditary Cancer Syndrome; Tumor predisposition; Neoplastic Syndromes, Hereditary; Hereditary neoplastic syndrome. Identifiers: Orphanet 140162, MedGen C0027672, MeSH D009386, MONDO:0015356.
Multiple endocrine neoplasia, type 2 (MEN2). Identifiers: Orphanet 653, MedGen C4048306, MONDO:0019003. Disease mechanism: gain of function.

Allele frequency attached by ClinVar (database versions not stated): gnomAD exomes below 0.00001.
gnomAD v4.1: 2 of 1,612,564 alleles (0.00012%); highest among the groups gnomAD compares: East Asian, 0.0045%; no homozygotes.

Submissions (2):

Ambry Genetics
Classification: Uncertain significance for Hereditary cancer-predisposing syndrome. Last evaluated: 2025-09-25. Review status: criteria provided, single submitter. Criteria: Ambry Variant Classification Scheme 2023. Collection method: clinical testing. Allele origin: germline.
Comment: The p.V298I variant (also known as c.892G>A), located in coding exon 5 of the RET gene, results from a G to A substitution at nucleotide position 892. The valine at codon 298 is replaced by isoleucine, an amino acid with highly similar properties. This amino acid position is conserved. In addition, the in silico prediction for this alteration is inconclusive. Since supporting evidence is limited at this time, the clinical significance of this alteration remains unclear.

Labcorp Genetics (formerly Invitae), Labcorp
Classification: Uncertain significance for Multiple endocrine neoplasia, type 2. Last evaluated: 2025-02-19. Review status: criteria provided, single submitter. Criteria: Invitae Variant Classification Sherloc (09022015). Collection method: clinical testing. Allele origin: germline.
Comment: This sequence change replaces valine, which is neutral and non-polar, with isoleucine, which is neutral and non-polar, at codon 298 of the RET protein (p.Val298Ile). This variant is not present in population databases (gnomAD no frequency). This variant has not been reported in the literature in individuals affected with RET-related conditions. ClinVar contains an entry for this variant (Variation ID: 862876). An algorithm developed to predict the effect of missense changes on protein structure and function (PolyPhen-2) suggests that this variant is likely to be disruptive. In summary, the available evidence is currently insufficient to determine the role of this variant in disease. Therefore, it has been classified as a Variant of Uncertain Significance.

NM_020975.6(RET):c.892G>A (p.Val298Ile)

Gene: RET (ret proto-oncogene; plus strand). Cytogenetic location: 10q11.21.
Variant type: single nucleotide variant.
Coding change: c.892G>A on transcript NM_020975.6 (MANE Select); coding-DNA position 892, G replaced by A.
Protein change: p.Val298Ile; replaces valine 298 with isoleucine.
Molecular consequence: missense variant.
Genome position (GRCh38, 1-based): chr10:43,106,400, G>A. VCF-style: chr10-43106400-G-A. GRCh37 (hg19) VCF-style: chr10-43601848-G-A.
Other names: c.763G>A, p.Val255Ile (NM_001406764.1, NM_001406768.1, NM_001406761.1 and 1 more transcripts); c.892G>A, p.Val298Ile (NM_001406765.1, NM_020629.2, NM_020630.7 and 6 more transcripts); c.604G>A, p.Val202Ile (NM_001406766.1, NM_001406767.1, NM_001406770.1); c.130G>A, p.Val44Ile (NM_001355216.2); short protein forms V298I, V44I, V255I, V202I.
Identifiers: ClinVar variation 862876 (VCV000862876.13), dbSNP rs1837776673, ClinGen allele CA376545711.